The following is an entry in ClinVar:

ClinVar aggregate classification (germline): Uncertain significance (0 of 4 stars; one submission).

Conditions:
HDAC4-related disorder. Also called: HDAC4-related condition.

gnomAD v4.1: 10 of 1,611,082 alleles (0.00062%); highest among the groups gnomAD compares: Admixed American, 0.012%; no homozygotes.

Submission:

PreventionGenetics, part of Exact Sciences
Classification: Uncertain significance for HDAC4-related condition. Last evaluated: 2024-09-16. Review status: no assertion criteria provided. Collection method: clinical testing. Allele origin: germline.
Comment: The HDAC4 c.1758G>C variant is predicted to result in the amino acid substitution p.Gln586His. To our knowledge, this variant has not been reported in the literature. This variant is reported in 0.0056% of alleles in individuals of Latino descent in gnomAD. At this time, the clinical significance of this variant is uncertain due to the absence of conclusive functional and genetic evidence.

NM_001378414.1(HDAC4):c.1773G>C (p.Gln591His)

Gene: HDAC4 (histone deacetylase 4; minus strand). Cytogenetic location: 2q37.3.
Variant type: single nucleotide variant.
Coding change: c.1773G>C on transcript NM_001378414.1 (MANE Select); coding-DNA position 1773, G replaced by C.
Protein change: p.Gln591His; replaces glutamine 591 with histidine.
Molecular consequence: missense variant.
Genome position (GRCh38, 1-based): chr2:239,115,071, C>G on the plus strand (G>C on the coding strand, the complement: HDAC4 is on the minus strand). VCF-style: chr2-239115071-C-G. GRCh37 (hg19) VCF-style: chr2-240036767-C-G.
Other names: c.1773G>C, p.Gln591His (NM_001378415.1); c.1758G>C, p.Gln586His (NM_001378416.1, NM_001378417.1, NM_006037.4); short protein forms Q586H, Q591H.
Identifiers: ClinVar variation 3358120 (VCV003358120.1).